The following is an entry in ClinVar:

NM_016341.4(PLCE1):c.3353G>A (p.Arg1118Gln)

Gene: PLCE1 (phospholipase C epsilon 1; plus strand). Cytogenetic location: 10q23.33.
Variant type: single nucleotide variant.
Coding change: c.3353G>A on transcript NM_016341.4 (MANE Select); coding-DNA position 3353, G replaced by A.
Protein change: p.Arg1118Gln; replaces arginine 1118 with glutamine.
Molecular consequence: missense variant.
Genome position (GRCh38, 1-based): chr10:94,254,263, G>A. VCF-style: chr10-94254263-G-A. GRCh37 (hg19) VCF-style: chr10-96014020-G-A.
Other names: c.2429G>A, p.Arg810Gln (NM_001165979.2); c.3353G>A, p.Arg1118Gln (NM_001288989.2); c.3353G>A (NM_016341.3); short protein forms R1118Q, R810Q.
Identifiers: ClinVar variation 1909064 (VCV001909064.6), dbSNP rs772363295, ClinGen allele CA5612851.
Genomic context (GRCh38, chr10:94,254,263, plus strand): 5'-AGGTAACTGACGATGAGATGGCAACCCGAAAGGCCAAGATGCACAAAGAGTGTCGAAGCC[G>A]GAGTGGTTCTGATCCTCAAGACATTAATGAACAAGAAGAATCAGGTAAAGCGGCATGTTT-3'
Protein context (NP_057425.3, residues 1108-1128): KAKMHKECRS[Arg1118Gln]SGSDPQDINE

ClinVar aggregate classification (germline): Uncertain significance. Review status: criteria provided, multiple submitters, no conflicts (2 of 4 stars). 2 submissions from 2 submitters: Uncertain significance (2). Last evaluated 2024-05-21.

Conditions:
Inborn genetic diseases. Identifiers: MedGen C0950123, MeSH D030342.

Allele frequency attached by ClinVar (database versions not stated): TOPMed 0.00002; ExAC 0.00006; gnomAD 0.00010.
gnomAD v4.1: 75 of 1,613,794 alleles (0.0046%); highest among the groups gnomAD compares: Non-Finnish European, 0.0056%; no homozygotes.

Submissions (2):

Ambry Genetics
Classification: Uncertain significance for Inborn genetic diseases. Last evaluated: 2024-05-21. Review status: criteria provided, single submitter. Criteria: Ambry Variant Classification Scheme 2023. Collection method: clinical testing. Allele origin: germline.

Labcorp Genetics (formerly Invitae), Labcorp
Classification: Uncertain significance. Last evaluated: 2023-08-04. Review status: criteria provided, single submitter. Criteria: Invitae Variant Classification Sherloc (09022015). Collection method: clinical testing. Allele origin: germline.
Comment: In summary, the available evidence is currently insufficient to determine the role of this variant in disease. Therefore, it has been classified as a Variant of Uncertain Significance. Advanced modeling of protein sequence and biophysical properties (such as structural, functional, and spatial information, amino acid conservation, physicochemical variation, residue mobility, and thermodynamic stability) performed at Invitae indicates that this missense variant is not expected to disrupt PLCE1 protein function. This variant has not been reported in the literature in individuals affected with PLCE1-related conditions. This sequence change replaces arginine, which is basic and polar, with glutamine, which is neutral and polar, at codon 1118 of the PLCE1 protein (p.Arg1118Gln). This variant is present in population databases (rs772363295, gnomAD 0.01%). ClinVar contains an entry for this variant (Variation ID: 1909064).